The following is an entry in ClinVar:

ClinVar aggregate classification (germline): Pathogenic (1 of 4 stars; one submission).

Submission:

Labcorp Genetics (formerly Invitae), Labcorp
Classification: Pathogenic. Last evaluated: 2023-03-10. Review status: criteria provided, single submitter. Criteria: Invitae Variant Classification Sherloc (09022015). Collection method: clinical testing. Allele origin: germline.
Comment: This sequence change creates a premature translational stop signal (p.Glu635Argfs*15) in the ASXL1 gene. While this is not anticipated to result in nonsense mediated decay, it is expected to disrupt the last 907 amino acid(s) of the ASXL1 protein. This variant is present in population databases (rs755053984, gnomAD 0.006%). This variant has not been reported in the literature in individuals affected with ASXL1-related conditions. This variant disrupts a region of the ASXL1 protein in which other variant(s) (p.Glu1400*) have been determined to be pathogenic (PMID: 31969346). This suggests that this is a clinically significant region of the protein, and that variants that disrupt it are likely to be disease-causing. For these reasons, this variant has been classified as Pathogenic.

Literature cited by the submitters: PubMed 31969346.

NM_015338.6(ASXL1):c.1902_1924del (p.Glu635fs)

Gene: ASXL1 (ASXL transcriptional regulator 1; plus strand). Cytogenetic location: 20q11.21.
Variant type: Deletion.
Coding change: c.1902_1924del on transcript NM_015338.6 (MANE Select); coding-DNA positions 1902 to 1924, 23 bases deleted (AGAGGCGGCCACCACTGCCATCG).
Protein change: p.Glu635fs; shifts the reading frame from glutamic acid 635.
Molecular consequence: frameshift variant.
Genome position (GRCh38, 1-based): chr20:32,434,614-32,434,636, AGAGGCGGCCACCACTGCCATCG deleted; deleting any 23 consecutive bases within chr20:32,434,613-32,434,636 gives the same sequence; the c. name uses the placement nearest the transcript's 3' end. VCF-style (leftmost placement, unchanged base first): chr20-32434612-AGAGAGGCGGCCACCACTGCCATC-A. GRCh37 (hg19) VCF-style: chr20-31022415-AGAGAGGCGGCCACCACTGCCATC-A.
Other names: c.1719_1741del, p.Glu574fs (NM_001363734.1); short protein forms E574fs, E635fs.
Identifiers: ClinVar variation 2996977 (VCV002996977.3), dbSNP rs755053984, ClinGen allele CA9808479.